The following is an entry in ClinVar:

ClinVar aggregate classification (germline): Uncertain significance (1 of 4 stars; one submission).

Submission:

Labcorp Genetics (formerly Invitae), Labcorp
Classification: Uncertain significance. Last evaluated: 2020-09-08. Review status: criteria provided, single submitter. Criteria: Invitae Variant Classification Sherloc (09022015). Collection method: clinical testing. Allele origin: germline.
Comment: This variant has not been reported in the literature in individuals with POLE-related conditions. This sequence change replaces glutamine with histidine at codon 2254 of the POLE protein (p.Gln2254His). The glutamine residue is moderately conserved and there is a small physicochemical difference between glutamine and histidine. This variant is not present in population databases (ExAC no frequency). Algorithms developed to predict the effect of missense changes on protein structure and function (SIFT, PolyPhen-2, Align-GVGD) all suggest that this variant is likely to be tolerated, but these predictions have not been confirmed by published functional studies and their clinical significance is uncertain. In summary, the available evidence is currently insufficient to determine the role of this variant in disease. Therefore, it has been classified as a Variant of Uncertain Significance.

NM_006231.4(POLE):c.6762G>C (p.Gln2254His)

Gene: POLE (DNA polymerase epsilon, catalytic subunit; minus strand). Cytogenetic location: 12q24.33.
Variant type: single nucleotide variant.
Coding change: c.6762G>C on transcript NM_006231.4 (MANE Select); coding-DNA position 6762, G replaced by C.
Protein change: p.Gln2254His; replaces glutamine 2254 with histidine.
Molecular consequence: missense variant.
Genome position (GRCh38, 1-based): chr12:132,624,796, C>G on the plus strand (G>C on the coding strand, the complement: POLE is on the minus strand). VCF-style: chr12-132624796-C-G. GRCh37 (hg19) VCF-style: chr12-133201382-C-G.
Other names: short protein forms Q2254H.
Identifiers: ClinVar variation 1042790 (VCV001042790.8), dbSNP rs1593693607, ClinGen allele CA387365879.